The following is an entry in ClinVar:

NM_006767.4(LZTR1):c.2264G>A (p.Arg755Gln)

Gene: LZTR1 (leucine zipper like post translational regulator 1; plus strand). Cytogenetic location: 22q11.21.
Variant type: single nucleotide variant.
Coding change: c.2264G>A on transcript NM_006767.4 (MANE Select); coding-DNA position 2264, G replaced by A.
Protein change: p.Arg755Gln; replaces arginine 755 with glutamine.
Molecular consequence: missense variant.
Genome position (GRCh38, 1-based): chr22:20,996,740, G>A. VCF-style: chr22-20996740-G-A. GRCh37 (hg19) VCF-style: chr22-21351029-G-A.
Other names: short protein forms R755Q.
Identifiers: ClinVar variation 599032 (VCV000599032.10), dbSNP rs762834512, ClinGen allele CA10119324.

ClinVar aggregate classification (germline): Uncertain significance. Review status: criteria provided, multiple submitters, no conflicts (2 of 4 stars). 4 submissions from 4 submitters: Uncertain significance (3). 1 of the submissions does not count toward it. Last evaluated 2025-12-14.

Conditions:
Cardiovascular phenotype. Identifiers: MedGen CN230736.
Hereditary cancer-predisposing syndrome. Also called: Neoplastic Syndromes, Hereditary; Hereditary neoplastic syndrome; Tumor predisposition; Hereditary Cancer Syndrome. Identifiers: Orphanet 140162, MedGen C0027672, MeSH D009386, MONDO:0015356.
Noonan syndrome 2 (NS2). Identifiers: Orphanet 648, MedGen C1854469, MONDO:0011531, OMIM 605275.

Allele frequency attached by ClinVar (database versions not stated): gnomAD exomes below 0.00001; TOPMed below 0.00001; ExAC 0.00001.
gnomAD v4.1: 28 of 1,613,398 alleles (0.0017%); highest among the groups gnomAD compares: East Asian, 0.0022%; no homozygotes.

Submissions (4):

Labcorp Genetics (formerly Invitae), Labcorp
Classification: Uncertain significance. Last evaluated: 2025-12-14. Review status: criteria provided, single submitter. Criteria: Invitae Variant Classification Sherloc (09022015). Collection method: clinical testing. Allele origin: germline.
Comment: This sequence change replaces arginine, which is basic and polar, with glutamine, which is neutral and polar, at codon 755 of the LZTR1 protein (p.Arg755Gln). This variant is present in population databases (rs762834512, gnomAD 0.0009%). This missense change has been observed in individual(s) with autosomal recessive Noonan syndrome (PMID: 29469822). ClinVar contains an entry for this variant (Variation ID: 599032). Invitae Evidence Modeling of protein sequence and biophysical properties (such as structural, functional, and spatial information, amino acid conservation, physicochemical variation, residue mobility, and thermodynamic stability) indicates that this missense variant is not expected to disrupt LZTR1 protein function with a negative predictive value of 80%. In summary, the available evidence is currently insufficient to determine the role of this variant in disease. Therefore, it has been classified as a Variant of Uncertain Significance.

Ambry Genetics
Classification: Uncertain significance for Cardiovascular phenotype; Hereditary cancer-predisposing syndrome. Last evaluated: 2025-09-18. Review status: criteria provided, single submitter. Criteria: Ambry Variant Classification Scheme 2023. Collection method: clinical testing. Allele origin: germline.
Comment: The p.R755Q variant (also known as c.2264G>A), located in coding exon 19 of the LZTR1 gene, results from a G to A substitution at nucleotide position 2264. The arginine at codon 755 is replaced by glutamine, an amino acid with highly similar properties. This variant has been identified in conjunction with other LZTR1 variant(s) in individual(s) with features consistent with Noonan syndrome; in at least one instance, the variants were identified in trans (Johnston JJ et al. Genet Med, 2018 Oct;20:1175-1185). This amino acid position is highly conserved in available vertebrate species. In addition, this alteration is predicted to be deleterious by in silico analysis. Based on the available evidence, the clinical significance of this variant remains unclear.

GeneDx
Classification: Uncertain significance. Last evaluated: 2023-09-25. Review status: criteria provided, single submitter. Criteria: GeneDx Variant Classification Process June 2021. Collection method: clinical testing. Allele origin: germline. Affected: yes.
Comment: Not observed at significant frequency in large population cohorts (gnomAD); In silico analysis supports that this missense variant has a deleterious effect on protein structure/function; In silico analysis supports a deleterious effect on splicing; This variant is associated with the following publications: (PMID: 29469822)

OMIM
Classification: Pathogenic for NOONAN SYNDROME 2. Last evaluated: 2018-12-17. Review status: no assertion criteria provided. Collection method: literature only. Allele origin: germline. Not counted in ClinVar's aggregate classification.

Literature cited by the submitters: PubMed 29469822 (cited by 3 submitters).